The following is an entry in ClinVar:

NM_000092.5(COL4A4):c.5070C>G (p.Ser1690Arg)

Gene: COL4A4 (collagen type IV alpha 4 chain; minus strand). Cytogenetic location: 2q36.3.
Variant type: single nucleotide variant.
Coding change: c.5070C>G on transcript NM_000092.5 (MANE Select); coding-DNA position 5070, C replaced by G.
Protein change: p.Ser1690Arg; replaces serine 1690 with arginine.
Molecular consequence: missense variant.
Genome position (GRCh38, 1-based): chr2:227,007,328, G>C on the plus strand (C>G on the coding strand, the complement: COL4A4 is on the minus strand). VCF-style: chr2-227007328-G-C. GRCh37 (hg19) VCF-style: chr2-227872044-G-C.
Other names: short protein forms S1690R.
Identifiers: ClinVar variation 3585728 (VCV003585728.2).

ClinVar aggregate classification (germline): Uncertain significance. Review status: criteria provided, multiple submitters, no conflicts (2 of 4 stars). 2 submissions from 2 submitters: Uncertain significance (2). Last evaluated 2025-12-15.

Conditions:
Autosomal recessive Alport syndrome (ATS2). Also called: Alport syndrome type 2; COL4A3-Related Nephropathy; COL4A4 Alport Syndrome and Thin Basement Membrane Nephropathy; ALPORT SYNDROME 2, AUTOSOMAL RECESSIVE. Identifiers: Orphanet 63, Orphanet 88919, MedGen C4746745, MONDO:0008762, OMIM 203780.
Hematuria, benign familial, 1 (BFH1). Also called: THIN MEMBRANE NEPHROPATHY. Identifiers: MedGen CN376803, MONDO:0007709, OMIM 141200.

gnomAD v4.1: 11 of 1,614,214 alleles (0.00068%); highest among the groups gnomAD compares: Non-Finnish European, 0.00068%; no homozygotes.

Submissions (2):

Labcorp Genetics (formerly Invitae), Labcorp
Classification: Uncertain significance. Last evaluated: 2025-12-15. Review status: criteria provided, single submitter. Criteria: Invitae Variant Classification Sherloc (09022015). Collection method: clinical testing. Allele origin: germline.
Comment: This sequence change replaces serine, which is neutral and polar, with arginine, which is basic and polar, at codon 1690 of the COL4A4 protein (p.Ser1690Arg). This variant is present in population databases (rs762885668, gnomAD 0.004%). This variant has not been reported in the literature in individuals affected with COL4A4-related conditions. ClinVar contains an entry for this variant (Variation ID: 3585728). Invitae Evidence Modeling of protein sequence and biophysical properties (such as structural, functional, and spatial information, amino acid conservation, physicochemical variation, residue mobility, and thermodynamic stability) indicates that this missense variant is not expected to disrupt COL4A4 protein function with a negative predictive value of 95%. In summary, the available evidence is currently insufficient to determine the role of this variant in disease. Therefore, it has been classified as a Variant of Uncertain Significance.

Fulgent Genetics
Classification: Uncertain significance for Hematuria, benign familial, 1; Autosomal recessive Alport syndrome. Last evaluated: 2024-06-18. Review status: criteria provided, single submitter. Criteria: ACMG Guidelines, 2015. Collection method: clinical testing. Allele origin: germline.